The following is an entry in ClinVar:

ClinVar aggregate classification (germline): Uncertain significance (1 of 4 stars; one submission).

Submission:

Labcorp Genetics (formerly Invitae), Labcorp
Classification: Uncertain significance. Last evaluated: 2024-05-21. Review status: criteria provided, single submitter. Criteria: Invitae Variant Classification Sherloc (09022015). Collection method: clinical testing. Allele origin: germline.
Comment: This sequence change replaces lysine, which is basic and polar, with arginine, which is basic and polar, at codon 773 of the ATR protein (p.Lys773Arg). This variant is not present in population databases (gnomAD no frequency). This variant has not been reported in the literature in individuals affected with ATR-related conditions. ClinVar contains an entry for this variant (Variation ID: 1715727). An algorithm developed to predict the effect of missense changes on protein structure and function (PolyPhen-2) suggests that this variant is likely to be tolerated. In summary, the available evidence is currently insufficient to determine the role of this variant in disease. Therefore, it has been classified as a Variant of Uncertain Significance.

NM_001184.4(ATR):c.2318A>G (p.Lys773Arg)

Gene: ATR (ATR checkpoint kinase; minus strand). Cytogenetic location: 3q23.
Variant type: single nucleotide variant.
Coding change: c.2318A>G on transcript NM_001184.4 (MANE Select); coding-DNA position 2318, A replaced by G.
Protein change: p.Lys773Arg; replaces lysine 773 with arginine.
Molecular consequence: missense variant.
Genome position (GRCh38, 1-based): chr3:142,555,900, T>C on the plus strand (A>G on the coding strand, the complement: ATR is on the minus strand). VCF-style: chr3-142555900-T-C. GRCh37 (hg19) VCF-style: chr3-142274742-T-C.
Other names: c.2126A>G, p.Lys709Arg (NM_001354579.2); short protein forms K709R, K773R.
Identifiers: ClinVar variation 1715727 (VCV001715727.5), dbSNP rs2108470338, ClinGen allele CA354818383.